The following is an entry in ClinVar:

NM_001127453.2(GSDME):c.745A>G (p.Arg249Gly)

Gene: GSDME (gasdermin E; minus strand). Cytogenetic location: 7p15.3.
Variant type: single nucleotide variant.
Coding change: c.745A>G on transcript NM_001127453.2 (MANE Select); coding-DNA position 745, A replaced by G.
Protein change: p.Arg249Gly; replaces arginine 249 with glycine.
Molecular consequence: missense variant.
Genome position (GRCh38, 1-based): chr7:24,710,341, T>C on the plus strand (A>G on the coding strand, the complement: GSDME is on the minus strand). VCF-style: chr7-24710341-T-C. GRCh37 (hg19) VCF-style: chr7-24749960-T-C.
Other names: c.253A>G, p.Arg85Gly (NM_001127454.2); c.745A>G, p.Arg249Gly (NM_004403.3); short protein forms R249G, R85G.
Identifiers: ClinVar variation 3365946 (VCV003365946.1).

ClinVar aggregate classification (germline): Uncertain significance (1 of 4 stars; one submission).

gnomAD v4.1: 2 of 1,614,226 alleles (0.00012%); no homozygotes.

Submission:

GeneDx
Classification: Uncertain significance. Last evaluated: 2024-01-02. Review status: criteria provided, single submitter. Criteria: GeneDx Variant Classification Process June 2021. Collection method: clinical testing. Allele origin: germline. Affected: yes.
Comment: Not observed at significant frequency in large population cohorts (gnomAD); In silico analysis supports that this missense variant does not alter protein structure/function; Has not been previously published as pathogenic or benign to our knowledge